The following is an entry in ClinVar:

NM_004999.4(MYO6):c.2517T>C (p.Gly839=)

Gene: MYO6 (myosin VI; plus strand). Cytogenetic location: 6q14.1.
Variant type: single nucleotide variant.
Coding change: c.2517T>C on transcript NM_004999.4 (MANE Select); coding-DNA position 2517, T replaced by C.
Protein change: p.Gly839=; no amino-acid change (glycine 839 retained).
Molecular consequence: synonymous variant. On other transcripts: non-coding transcript variant (1).
Genome position (GRCh38, 1-based): chr6:75,886,853, T>C. VCF-style: chr6-75886853-T-C. GRCh37 (hg19) VCF-style: chr6-76596570-T-C.
Other names: p.Gly839=; c.2517T>C, p.Gly839= (NM_001300899.2, NM_001368136.1, NM_001368137.1 and 2 more transcripts); c.2502T>C, p.Gly834= (NM_001368138.1).
Identifiers: ClinVar variation 259605 (VCV000259605.49), dbSNP rs112597191, ClinGen allele CA3897401.

ClinVar aggregate classification (germline): Conflicting classifications of pathogenicity. Review status: criteria provided, conflicting classifications (1 of 4 stars). 9 submissions from 8 submitters: Uncertain significance (1); Benign (4); Likely benign (4). Last evaluated 2025-06-02.

Conditions:
Autosomal dominant nonsyndromic hearing loss 22. Also called: Autosomal dominant nonsyndromic deafness 22; DFNA 22. Identifiers: Orphanet 228012, MedGen C2931767, MONDO:0011660, OMIM 606346.
Autosomal recessive nonsyndromic hearing loss 37. Identifiers: Orphanet 90636, MedGen C1843028, MONDO:0011912, OMIM 607821.

Allele frequency attached by ClinVar (database versions not stated): gnomAD exomes 0.00014 and 0.00044; ExAC 0.00058; gnomAD 0.00135 and 0.00137; TOPMed 0.00161; ESP Exome Variant Server 0.00169; 1000 Genomes Project 0.00459; 1000 Genomes Project 30x 0.00484.
gnomAD v4.1: 431 of 1,613,744 alleles (0.027%); highest among the groups gnomAD compares: African/African-American, 0.46%; 1 homozygote.

Submissions (9):

Labcorp Genetics (formerly Invitae), Labcorp
Classification: Benign. Last evaluated: 2025-06-02. Review status: criteria provided, single submitter. Criteria: Invitae Variant Classification Sherloc (09022015). Collection method: clinical testing. Allele origin: germline.

Mayo Clinic Laboratories, Mayo Clinic
Classification: Benign. Last evaluated: 2025-03-21. Review status: criteria provided, single submitter. Criteria: ACMG Guidelines, 2015. Collection method: clinical testing. Allele origin: germline. Observed: 1 variant allele.
Comment: BA1, BP4, BP7

Blueprint Genetics
Classification: Likely benign. Last evaluated: 2024-08-22. Review status: criteria provided, single submitter. Criteria: ACMG Guidelines, 2015. Collection method: clinical testing. Allele origin: germline.

ARUP Laboratories, Molecular Genetics and Genomics, ARUP Laboratories
Classification: Benign. Last evaluated: 2023-11-07. Review status: criteria provided, single submitter. Criteria: ARUP Molecular Germline Variant Investigation Process 2024. Collection method: clinical testing. Allele origin: germline.

CeGaT Center for Human Genetics Tuebingen
Classification: Likely benign. Last evaluated: 2023-08-01. Review status: criteria provided, single submitter. Criteria: CeGaT Center For Human Genetics Tuebingen Variant Classification Criteria Version 2. Collection method: clinical testing. Allele origin: germline. Affected: yes. Observed: 1 variant allele.
Comment: MYO6: BP4, BP7

GeneDx
Classification: Likely benign. Last evaluated: 2021-03-23. Review status: criteria provided, single submitter. Criteria: GeneDx Variant Classification Process June 2021. Collection method: clinical testing. Allele origin: germline. Affected: yes.

Illumina Laboratory Services, Illumina
Classification: Uncertain significance for Autosomal recessive nonsyndromic hearing loss 37. Last evaluated: 2018-01-13. Review status: criteria provided, single submitter. Criteria: ICSL Variant Classification Criteria 13 December 2019. Collection method: clinical testing. Allele origin: germline.

Illumina Laboratory Services, Illumina
Classification: Likely benign for Autosomal dominant nonsyndromic hearing loss 22. Last evaluated: 2018-01-13. Review status: criteria provided, single submitter. Criteria: ICSL Variant Classification Criteria 13 December 2019. Collection method: clinical testing. Allele origin: germline.
Comment: This variant was observed in the ICSL laboratory as part of a predisposition screen in an ostensibly healthy population. It had not been previously curated by ICSL or reported in the Human Gene Mutation Database (HGMD: prior to June 1st, 2018), and was therefore a candidate for classification through an automated scoring system. Utilizing variant allele frequency, disease prevalence and penetrance estimates, and inheritance mode, an automated score was calculated to assess if this variant is too frequent to cause the disease. Based on the score and internal cut-off values, a variant classified as likely benign is not then subjected to further curation. The score for this variant resulted in a classification of likely benign for this disease.

PreventionGenetics, part of Exact Sciences
Classification: Benign. Review status: criteria provided, single submitter. Criteria: ACMG Guidelines, 2015. Collection method: clinical testing. Allele origin: germline.